The following is an entry in ClinVar:

ClinVar aggregate classification (germline): Uncertain significance (1 of 4 stars; one submission).

Conditions:
Long QT syndrome (LQTS). Identifiers: MedGen C0023976, MeSH D008133, MONDO:0002442. Disease mechanism: loss of function. Inheritance: Various modes of inheritance.

Allele frequency attached by ClinVar (database versions not stated): TOPMed 0.00001.
gnomAD v4.1: 2 of 1,613,702 alleles (0.00012%); highest among the groups gnomAD compares: Non-Finnish European, 0.00017%; no homozygotes.

Submission:

All of Us Research Program, National Institutes of Health
Classification: Uncertain significance for Long QT syndrome. Last evaluated: 2023-09-17. Review status: criteria provided, single submitter. Criteria: ACMG Guidelines, 2015. Collection method: clinical testing. Allele origin: germline. Inheritance: Autosomal dominant inheritance. Observed: 1 variant allele, 1 heterozygote.
Comment: This missense variant replaces alanine with glycine at codon 300 of the KCNQ1 protein. Computational prediction suggests that this variant may have deleterious impact on protein structure and function (internally defined REVEL score threshold >= 0.7, PMID: 27666373). To our knowledge, functional studies have not been reported for this variant. This variant has not been reported in individuals affected with KCNQ1-related disorders in the literature. This variant has not been identified in the general population by the Genome Aggregation Database (gnomAD). The available evidence is insufficient to determine the role of this variant in disease conclusively. Therefore, this variant is classified as a Variant of Uncertain Significance.

This study involves interpretation of variants in research participants for the purpose of population health screening. Participant phenotype was not available at the time of variant classification. Additional details can be found in publication PMID: 35346344, PMCID: PMC8962531

NM_000218.3(KCNQ1):c.899C>G (p.Ala300Gly)

Gene: KCNQ1 (potassium voltage-gated channel subfamily Q member 1; plus strand). Cytogenetic location: 11p15.5.
Variant type: single nucleotide variant.
Coding change: c.899C>G on transcript NM_000218.3 (MANE Select); coding-DNA position 899, C replaced by G.
Protein change: p.Ala300Gly; replaces alanine 300 with glycine.
Molecular consequence: missense variant. On other transcripts: intron variant (1).
Genome position (GRCh38, 1-based): chr11:2,572,964, C>G. VCF-style: chr11-2572964-C-G. GRCh37 (hg19) VCF-style: chr11-2594194-C-G.
Other names: c.899C>G, p.Ala300Gly (NM_001406836.1); c.629C>G, p.Ala210Gly (NM_001406837.1); c.518C>G, p.Ala173Gly (NM_181798.2); c.478-10471C>G (NM_001406838.1); short protein forms A173G, A210G, A300G.
Identifiers: ClinVar variation 3073464 (VCV003073464.1), dbSNP rs1001293702, ClinGen allele CA379131700.